The following is an entry in ClinVar:

ClinVar aggregate classification (germline): Uncertain significance (1 of 4 stars; one submission).

Conditions:
CHARGE syndrome (CHARGE). Also called: Coloboma, heart anomaly, choanal atresia, retardation, genital and ear anomalies; CHARGE association; Hall-Hittner syndrome; Hittner Hirsch Kreh syndrome; CHARGE ASSOCIATION--COLOBOMA, HEART ANOMALY, CHOANAL ATRESIA, RETARDATION, GENITAL AND EAR ANOMALIES. Identifiers: Orphanet 138, MedGen C0265354, MONDO:0008965.

Submission:

Labcorp Genetics (formerly Invitae), Labcorp
Classification: Uncertain significance for CHARGE syndrome. Last evaluated: 2020-12-16. Review status: criteria provided, single submitter. Criteria: Invitae Variant Classification Sherloc (09022015). Collection method: clinical testing. Allele origin: germline.
Comment: In summary, the available evidence is currently insufficient to determine the role of this variant in disease. Therefore, it has been classified as a Variant of Uncertain Significance. Algorithms developed to predict the effect of sequence changes on RNA splicing suggest that this variant may disrupt the consensus splice site, but this prediction has not been confirmed by published transcriptional studies. This variant has not been reported in the literature in individuals with SEMA3E-related conditions. This variant is not present in population databases (ExAC no frequency). This sequence change affects an acceptor splice site in intron 3 of the SEMA3E gene. It is expected to disrupt RNA splicing. Variants that disrupt the donor or acceptor splice site typically lead to a loss of protein function (PMID: 16199547), however the current clinical and genetic evidence is not sufficient to establish whether loss-of-function variants in SEMA3E cause disease.

Literature cited by the submitters: PubMed 16199547.

NM_012431.3(SEMA3E):c.337-1G>C

Gene: SEMA3E (semaphorin 3E; minus strand). Cytogenetic location: 7q21.11.
Variant type: single nucleotide variant.
Coding change: c.337-1G>C on transcript NM_012431.3 (MANE Select); the canonical splice acceptor site of the intron before coding-DNA position 337, G replaced by C.
Molecular consequence: splice acceptor variant.
Genome position (GRCh38, 1-based): chr7:83,466,602, C>G on the plus strand (G>C on the coding strand, the complement: SEMA3E is on the minus strand). VCF-style: chr7-83466602-C-G. GRCh37 (hg19) VCF-style: chr7-83095918-C-G.
Other names: c.157-1G>C (NM_001178129.2).
Identifiers: ClinVar variation 1494031 (VCV001494031.8), dbSNP rs1311561381, ClinGen allele CA367935815.